The following is an entry in ClinVar:

NM_007294.4(BRCA1):c.2095G>T (p.Glu699Ter)

Gene: BRCA1 (BRCA1 DNA repair associated; minus strand). Cytogenetic location: 17q21.31.
Variant type: single nucleotide variant.
Coding change: c.2095G>T on transcript NM_007294.4 (MANE Select); coding-DNA position 2095, G replaced by T.
Protein change: p.Glu699Ter; replaces glutamic acid 699 with a stop codon.
Molecular consequence: nonsense. On other transcripts: intron variant (137).
Genome position (GRCh38, 1-based): chr17:43,093,436, C>A on the plus strand (G>T on the coding strand, the complement: BRCA1 is on the minus strand). VCF-style: chr17-43093436-C-A. GRCh37 (hg19) VCF-style: chr17-41245453-C-A.
Other names: c.1882G>T, p.Glu628Ter (NM_001407571.1, NM_001407853.1, NM_001407894.1 and 9 more transcripts); c.2095G>T, p.Glu699Ter (NM_001407581.1, NM_001407582.1, NM_001407583.1 and 30 more transcripts); c.2092G>T, p.Glu698Ter (NM_001407587.1, NM_001407590.1, NM_001407591.1 and 22 more transcripts); c.2086G>T, p.Glu696Ter (NM_001407646.1, NM_001407647.1); c.2014G>T, p.Glu672Ter (NM_001407659.1, NM_001407660.1, NM_001407661.1 and 1 more transcripts); c.2017G>T, p.Glu673Ter (NM_001407663.1, NM_001407653.1, NM_001407654.1 and 4 more transcripts); c.1972G>T, p.Glu658Ter (NM_001407664.1, NM_001407665.1, NM_001407666.1 and 19 more transcripts); c.1969G>T, p.Glu657Ter (NM_001407685.1, NM_001407686.1, NM_001407940.1 and 11 more transcripts); and 41 more; short protein forms E699*, E652*, E587*, E588*, E610*, E628*, E403*, E629*.
Identifiers: ClinVar variation 254405 (VCV000254405.3), dbSNP rs876658306, ClinGen allele CA10586650.

ClinVar aggregate classification (germline): Pathogenic (3 of 4 stars; one submission).

Conditions:
Breast-ovarian cancer, familial, susceptibility to, 1 (BROVCA1). Also called: BRCA1 Hereditary Breast and Ovarian Cancer; OVARIAN CANCER, SUSCEPTIBILITY TO. Identifiers: Orphanet 145, MedGen C2676676, MONDO:0011450, OMIM 604370. Disease mechanism: loss of function.

Submission:

Evidence-based Network for the Interpretation of Germline Mutant Alleles (ENIGMA)
Classification: Pathogenic for Breast-ovarian cancer, familial, susceptibility to, 1. Last evaluated: 2016-09-08. Review status: reviewed by expert panel. Criteria: ENIGMA BRCA1/2 Classification Criteria (2015). Collection method: curation. Allele origin: germline.
Comment: Variant allele predicted to encode a truncated non-functional protein.